The following is an entry in ClinVar:

ClinVar aggregate classification (germline): Likely benign (1 of 4 stars; one submission).

Conditions:
Lynch syndrome 4 (LYNCH4). Also called: Colorectal cancer, hereditary nonpolyposis, type 4; Hereditary non-polyposis colorectal cancer, type 4. Identifiers: Orphanet 144, MedGen C1838333, MONDO:0013699, OMIM 614337. Disease mechanism: loss of function.

Submission:

Myriad Genetics, Inc.
Classification: Likely benign for Lynch syndrome 4. Last evaluated: 2025-01-23. Review status: criteria provided, single submitter. Criteria: Myriad Autosomal Dominant, Autosomal Recessive and X-Linked Classification Criteria (2023). Collection method: clinical testing. Allele origin: unknown.
Comment: This variant is considered likely benign. This variant is intronic and is not expected to impact mRNA splicing.

NM_000535.7(PMS2):c.24-17G>T

Gene: PMS2 (PMS1 homolog 2, mismatch repair system component; minus strand). Cytogenetic location: 7p22.1.
Variant type: single nucleotide variant.
Coding change: c.24-17G>T on transcript NM_000535.7 (MANE Select); 17 bases into the intron before coding-DNA position 24, G replaced by T.
Molecular consequence: intron variant.
Genome position (GRCh38, 1-based): chr7:6,006,048, C>A on the plus strand (G>T on the coding strand, the complement: PMS2 is on the minus strand). VCF-style: chr7-6006048-C-A. GRCh37 (hg19) VCF-style: chr7-6045679-C-A.
Other names: c.-52-1990G>T (NM_001322008.2); c.-218-1990G>T (NM_001406881.1); c.-189-1990G>T (NM_001406895.1); c.-242-1990G>T (NM_001406911.1, NM_001322010.2, NM_001322004.2); c.-321-1990G>T (NM_001406879.1); c.-187-22G>T (NM_001406902.1, NM_001406883.1); c.-324-22G>T (NM_001406904.1, NM_001406889.1); c.-377-22G>T (NM_001322013.2, NM_001406905.1, NM_001406906.1 and 6 more transcripts); and 12 more.
Identifiers: ClinVar variation 3904002 (VCV003904002.1).